The following is an entry in ClinVar:

NM_001077418.3(TMEM231):c.478C>T (p.Gln160Ter)

Gene: TMEM231 (transmembrane protein 231; minus strand). Cytogenetic location: 16q23.1.
Variant type: single nucleotide variant.
Coding change: c.478C>T on transcript NM_001077418.3 (MANE Select); coding-DNA position 478, C replaced by T.
Protein change: p.Gln160Ter; replaces glutamine 160 with a stop codon.
Molecular consequence: nonsense. On other transcripts: non-coding transcript variant (1).
Genome position (GRCh38, 1-based): chr16:75,545,456, G>A on the plus strand (C>T on the coding strand, the complement: TMEM231 is on the minus strand). VCF-style: chr16-75545456-G-A. GRCh37 (hg19) VCF-style: chr16-75579354-G-A.
Other names: c.637C>T, p.Gln213Ter (NM_001077416.2); short protein forms Q213*, Q160*.
Identifiers: ClinVar variation 5005638 (VCV005005638.2).

ClinVar aggregate classification (germline): Likely pathogenic (1 of 4 stars; one submission).

Conditions:
Meckel syndrome, type 11 (MKS11). Identifiers: Orphanet 564, MedGen C3809352, MONDO:0014164, OMIM 615397.
Joubert syndrome 20 (JBTS20). Identifiers: Orphanet 475, MedGen C3554235, MONDO:0013994, OMIM 614970.

gnomAD v4.1: 1 of 1,598,080 alleles (0.000063%); highest among the groups gnomAD compares: East Asian, 0.0022%; no homozygotes.

Submission:

Juno Genomics, Hangzhou Juno Genomics, Inc
Classification: Likely pathogenic for Joubert syndrome 20; Meckel syndrome, type 11. Review status: criteria provided, single submitter. Criteria: ACMG Guidelines, 2015. Collection method: clinical testing. Allele origin: germline.
Comment: Null variant in a gene where loss of function (LOF) is a known mechanism of disease.;Absent from controls (or at extremely low frequency if recessive) in Genome Aggregation Database.